The following is an entry in ClinVar:

ClinVar aggregate classification (germline): Benign. Review status: reviewed by expert panel (3 of 4 stars). 20 submissions from 20 submitters: Benign (1). 19 of the submissions do not count toward it. Last evaluated 2024-06-25.

Conditions:
Hereditary cancer-predisposing syndrome. Also called: Tumor predisposition; Neoplastic Syndromes, Hereditary; Hereditary Cancer Syndrome; Hereditary neoplastic syndrome. Identifiers: Orphanet 140162, MedGen C0027672, MeSH D009386, MONDO:0015356.
Chuvash polycythemia. Also called: POLYCYTHEMIA, VHL-DEPENDENT. Identifiers: Orphanet 238557, MedGen C1837915, MONDO:0009892, OMIM 263400.
Von Hippel-Lindau syndrome (VHLS). Also called: VHL syndrome; Von Hippel-Lindau; von Hippel–Lindau syndrome. Identifiers: Orphanet 892, MedGen C0019562, MONDO:0008667, OMIM 193300. Disease mechanism: loss of function.
Pheochromocytoma. Also called: MAX-Related Hereditary Paraganglioma-Pheochromocytoma Syndrome. Identifiers: Orphanet 29072, MedGen C0031511, MONDO:0008233, OMIM 171300, HP:0002666.
Nonpapillary renal cell carcinoma. Identifiers: Orphanet 422526, MedGen CN074294, MONDO:0007763, OMIM 144700.

Allele frequency attached by ClinVar (database versions not stated): ESP Exome Variant Server 0.00041; gnomAD exomes 0.00047 and 0.00087; TOPMed 0.00057; gnomAD 0.00070; ExAC 0.00123.

Submissions (20):

ClinGen VHL Variant Curation Expert Panel, ClinGen
Classification: Benign for Von Hippel-Lindau syndrome. Last evaluated: 2024-06-25. Review status: reviewed by expert panel. Criteria: ClinGen VHL VCEP ACMG Specifications VHL V1. Collection method: curation. Allele origin: germline. Inheritance: Autosomal dominant inheritance.
Comment: The variant NM_000551.4(VHL):c.150C>G (p.Ala50=) is a synonymous (silent) variant that is not predicted by SpliceAI or VarSeak to impact splicing. The GroupMax Filtering Allele Frequency (95% CI) in gnomAD v4.0.0 is 0.001000 (1222/1163922 from European, Non-Finnish Population). This is higher than the ClinGen VHL VCEP threshold of >=0.000156 (0.0156%) threshold expected for VHL disease (BA1). In summary, this variant meets the criteria to be classified as Benign for autosomal-dominant von Hippel Lindau syndrome (VHL syndrome) based on the ACMG/AMP criteria applied, as specified by the ClinGen VHL VCEP Version 1.0 (Specifications approval date: 02/26/2024. Variant Approval Date 06/25/2024).

Labcorp Genetics (formerly Invitae), Labcorp
Classification: Benign for Von Hippel-Lindau syndrome; Chuvash polycythemia. Last evaluated: 2026-02-03. Review status: criteria provided, single submitter. Criteria: Invitae Variant Classification Sherloc (09022015). Collection method: clinical testing. Allele origin: germline. Not counted in ClinVar's aggregate classification.

Myriad Genetics, Inc.
Classification: Benign for Von Hippel-Lindau syndrome. Last evaluated: 2025-06-10. Review status: criteria provided, single submitter. Criteria: Myriad Autosomal Dominant, Autosomal Recessive and X-Linked Classification Criteria (2023). Collection method: clinical testing. Allele origin: unknown. Not counted in ClinVar's aggregate classification.
Comment: This variant is considered benign. This variant is a silent/synonymous amino acid change and it is not expected to impact splicing.

CeGaT Center for Human Genetics Tuebingen
Classification: Likely benign. Last evaluated: 2025-05-01. Review status: criteria provided, single submitter. Criteria: CeGaT Center For Human Genetics Tuebingen Variant Classification Criteria Version 2. Collection method: clinical testing. Allele origin: germline. Affected: yes. Observed: 8 variant alleles. Not counted in ClinVar's aggregate classification.
Comment: VHL: BP4, BP7

Center for Genomic Medicine, Rigshospitalet, Copenhagen University Hospital
Classification: Likely benign. Last evaluated: 2025-03-04. Review status: criteria provided, single submitter. Criteria: ACMG Guidelines, 2015. Collection method: clinical testing. Allele origin: germline. Not counted in ClinVar's aggregate classification.

Laboratory of Genetics, Children's Clinical University Hospital Latvia
Classification: Benign. Last evaluated: 2025-02-16. Review status: criteria provided, single submitter. Criteria: ACMG Guidelines, 2015. Collection method: clinical testing. Allele origin: germline. Affected: yes. Not counted in ClinVar's aggregate classification.

Blueprint Genetics
Classification: Likely benign. Last evaluated: 2024-10-17. Review status: criteria provided, single submitter. Criteria: ACMG Guidelines, 2015. Collection method: clinical testing. Allele origin: germline. Not counted in ClinVar's aggregate classification.

Mayo Clinic Laboratories, Mayo Clinic
Classification: Likely benign. Last evaluated: 2024-08-16. Review status: criteria provided, single submitter. Criteria: ACMG Guidelines, 2015. Collection method: clinical testing. Allele origin: germline. Observed: 2 variant alleles. Not counted in ClinVar's aggregate classification.
Comment: BS1, BP4, BP7

Department of Pathology and Laboratory Medicine, Sinai Health System
Classification: Likely benign for Nonpapillary renal cell carcinoma; Pheochromocytoma; Von Hippel-Lindau syndrome; Chuvash polycythemia. Last evaluated: 2023-10-06. Review status: criteria provided, single submitter. Criteria: ACMG Guidelines, 2015. Collection method: clinical testing. Allele origin: germline. Affected: no. Not counted in ClinVar's aggregate classification.

Color Diagnostics, LLC DBA Color Health
Classification: Benign for Von Hippel-Lindau syndrome. Last evaluated: 2022-09-20. Review status: criteria provided, single submitter. Criteria: ACMG Guidelines, 2015. Collection method: clinical testing. Allele origin: germline. Not counted in ClinVar's aggregate classification.

Sema4
Classification: Benign for Hereditary cancer-predisposing syndrome. Last evaluated: 2021-02-03. Review status: criteria provided, single submitter. Criteria: Sema4 Curation Guidelines. Collection method: curation. Allele origin: germline. Not counted in ClinVar's aggregate classification.

Women's Health and Genetics/Laboratory Corporation of America, LabCorp
Classification: Benign. Last evaluated: 2018-05-07. Review status: criteria provided, single submitter. Criteria: LabCorp Variant Classification Summary - May 2015. Collection method: clinical testing. Allele origin: germline. Not counted in ClinVar's aggregate classification.
Comment: Variant summary: VHL c.150C>G alters a non-conserved nucleotide resulting in a synonymous change. 5/5 computational tools predict no significant impact on normal splicing. However, these predictions have yet to be confirmed by functional studies. The variant was observed with an allele frequency of 0.0005 in 211956 control chromosomes (gnomAD). The observed variant frequency is approximately 24-folds higher than the estimated maximal expected allele frequency for a pathogenic variant in VHL causing Von Hippel-Lindau Syndrome phenotype (2.1e-05), strongly suggesting that the variant is benign. The variant, c.150C>G, has been reported in the literature in individuals affected with Von Hippel-Lindau Syndrome (Meyer-Rochow_2008). These report(s) do not provide unequivocal conclusions about association of the variant with Von Hippel-Lindau Syndrome. To our knowledge, no experimental evidence demonstrating an impact on protein function has been reported. Clinvar submission from a clinical diagnostic laboratory (evaluation after 2014) cites the variant as "benign." Based on the evidence outlined above, the variant was classified as benign.

Illumina Laboratory Services, Illumina
Classification: Benign for Von Hippel-Lindau syndrome. Last evaluated: 2018-01-13. Review status: criteria provided, single submitter. Criteria: ICSL Variant Classification Criteria 13 December 2019. Collection method: clinical testing. Allele origin: germline. Not counted in ClinVar's aggregate classification.
Comment: This variant was observed in the ICSL laboratory as part of a predisposition screen in an ostensibly healthy population. It had not been previously curated by ICSL or reported in the Human Gene Mutation Database (HGMD: prior to June 1st, 2018), and was therefore a candidate for classification through an automated scoring system. Utilizing variant allele frequency, disease prevalence and penetrance estimates, and inheritance mode, an automated score was calculated to assess if this variant is too frequent to cause the disease. Based on the score and internal cut-off values, a variant classified as benign is not then subjected to further curation. The score for this variant resulted in a classification of benign for this disease.

PreventionGenetics, part of Exact Sciences
Classification: Likely benign. Last evaluated: 2017-07-25. Review status: criteria provided, single submitter. Criteria: ACMG Guidelines, 2015. Collection method: clinical testing. Allele origin: germline. Not counted in ClinVar's aggregate classification.

Ambry Genetics
Classification: Likely benign for Hereditary cancer-predisposing syndrome. Last evaluated: 2014-11-12. Review status: criteria provided, single submitter. Criteria: Ambry Variant Classification Scheme 2023. Collection method: clinical testing. Allele origin: germline. Not counted in ClinVar's aggregate classification.

GeneDx
Classification: Benign. Last evaluated: 2014-09-29. Review status: criteria provided, single submitter. Criteria: GeneDx Variant Classification (06012015). Collection method: clinical testing. Allele origin: germline. Affected: yes. Not counted in ClinVar's aggregate classification.
Comment: This variant is considered likely benign or benign based on one or more of the following criteria: it is a conservative change, it occurs at a poorly conserved position in the protein, it is predicted to be benign by multiple in silico algorithms, and/or has population frequency not consistent with disease.

Laboratory for Molecular Medicine, Mass General Brigham Personalized Medicine
Classification: Likely benign. Last evaluated: 2010-10-05. Review status: criteria provided, single submitter. Criteria: LMM Criteria. Collection method: clinical testing. Allele origin: germline. Observed: 1 variant allele. Not counted in ClinVar's aggregate classification.
Comment: This variant has been reported in the literature in two individuals with tumors consistent with VHL syndrome. It was reported in the tumor of one individual wit h a central nervous system hemangioblastoma and in the blood of a second individ ual with a pheochromocytoma (Cybulski 2004, Meyer-Rochow 2009). However, this va riant is not expected to have clinical significance because it does not alter an amino acid residue and is not located near a splice junction. However, on rare occasions, nucleotide changes that do not result in amino acid changes can be as sociated with disease.

Clinical Genomics Labs, University Health Network
Classification: Likely benign for Von Hippel-Lindau syndrome. Last evaluated: 2017-05-29. Review status: no assertion criteria provided. Criteria: ACMG Guidelines, 2015. Collection method: clinical testing. Allele origin: germline. Not counted in ClinVar's aggregate classification.

Genome Diagnostics Laboratory, Amsterdam University Medical Center
Classification: Likely benign. Review status: no assertion criteria provided. Collection method: clinical testing. Allele origin: germline. Affected: yes. Study: VKGL Data-share Consensus. Not counted in ClinVar's aggregate classification.

Genome Diagnostics Laboratory, University Medical Center Utrecht
Classification: Likely benign. Review status: no assertion criteria provided. Collection method: clinical testing. Allele origin: germline. Affected: yes. Study: VKGL Data-share Consensus. Not counted in ClinVar's aggregate classification.

Literature cited by the submitters: PubMed 19215943 (cited by Department of Pathology and Laboratory Medicine, Sinai Health System and Laboratory for Molecular Medicine, Mass General Brigham Personalized Medicine); PubMed 20233476 (cited by Laboratory for Molecular Medicine, Mass General Brigham Personalized Medicine).

NM_000551.4(VHL):c.150C>G (p.Ala50=)

Gene: VHL (von Hippel-Lindau tumor suppressor; plus strand). Cytogenetic location: 3p25.3.
Variant type: single nucleotide variant.
Coding change: c.150C>G on transcript NM_000551.4 (MANE Select); coding-DNA position 150, C replaced by G.
Protein change: p.Ala50=; no amino-acid change (alanine 50 retained).
Molecular consequence: synonymous variant.
Genome position (GRCh38, 1-based): chr3:10,141,997, C>G. VCF-style: chr3-10141997-C-G. GRCh37 (hg19) VCF-style: chr3-10183681-C-G.
Other names: p.A50A:GCC>GCG; NM_000551.4(VHL):c.150C>G; p.Ala50=; c.150C>G, p.Ala50= (NM_001354723.2, NM_198156.3).
Identifiers: ClinVar variation 43596 (VCV000043596.83), dbSNP rs61751580, ClinGen allele CA020051.